The following is an entry in ClinVar:

NM_152564.5(VPS13B):c.10871G>C (p.Trp3624Ser)

Gene: VPS13B (vacuolar protein sorting 13 homolog B; plus strand). Cytogenetic location: 8q22.2.
Variant type: single nucleotide variant.
Coding change: c.10871G>C on transcript NM_152564.5 (MANE Select); coding-DNA position 10871, G replaced by C.
Protein change: p.Trp3624Ser; replaces tryptophan 3624 with serine.
Molecular consequence: missense variant.
Genome position (GRCh38, 1-based): chr8:99,859,307, G>C. VCF-style: chr8-99859307-G-C. GRCh37 (hg19) VCF-style: chr8-100871535-G-C.
Other names: c.10946G>C, p.Trp3649Ser (NM_017890.5); short protein forms W3649S, W3624S.
Identifiers: ClinVar variation 2152171 (VCV002152171.1), dbSNP rs386834057, ClinGen allele CA371788569.

ClinVar aggregate classification (germline): Uncertain significance (1 of 4 stars; one submission).

Conditions:
Cohen syndrome (COH1). Also called: PEPPER SYNDROME; Cutis verticis gyrata, retinitis pigmentosa, and sensorineural deafness. Identifiers: Orphanet 193, MedGen C0265223, MONDO:0008999, OMIM 216550.

Submission:

Labcorp Genetics (formerly Invitae), Labcorp
Classification: Uncertain significance for Cohen syndrome. Last evaluated: 2022-07-12. Review status: criteria provided, single submitter. Criteria: Invitae Variant Classification Sherloc (09022015). Collection method: clinical testing. Allele origin: germline.
Comment: This sequence change replaces tryptophan, which is neutral and slightly polar, with serine, which is neutral and polar, at codon 3649 of the VPS13B protein (p.Trp3649Ser). This variant is not present in population databases (gnomAD no frequency). This variant has not been reported in the literature in individuals affected with VPS13B-related conditions. Algorithms developed to predict the effect of missense changes on protein structure and function are either unavailable or do not agree on the potential impact of this missense change (SIFT: "Not Available"; PolyPhen-2: "Benign"; Align-GVGD: "Not Available"). In summary, the available evidence is currently insufficient to determine the role of this variant in disease. Therefore, it has been classified as a Variant of Uncertain Significance.